The following is an entry in ClinVar:

ClinVar aggregate classification (germline): Uncertain significance (1 of 4 stars; one submission).

Submission:

Women's Health and Genetics/Laboratory Corporation of America, LabCorp
Classification: Uncertain significance. Last evaluated: 2025-04-02. Review status: criteria provided, single submitter. Criteria: LabCorp Variant Classification Summary - May 2015. Collection method: clinical testing. Allele origin: germline.
Comment: Variant summary: CAPN3 c.2331C>G (p.Ile777Met) results in a conservative amino acid change located in the C-terminal EF-hand (IPR054069) of the encoded protein sequence. Three of five in-silico tools predict a damaging effect of the variant on protein function. The variant was absent in 251396 control chromosomes (gnomAD). The available data on variant occurrences in the general population are insufficient to allow any conclusion about variant significance. To our knowledge, no occurrence of c.2331C>G in individuals affected with Limb-Girdle Muscular Dystrophy, Autosomal Recessive and no experimental evidence demonstrating its impact on protein function have been reported. Two different missense variants affecting the same amino acid (i.e. Ile777Val/Thr) have been reported in affected individuals (HGMD), supporting a functional importance for this residue. No submitters have cited clinical-significance assessments for this variant to ClinVar. Based on the evidence outlined above, the variant was classified as uncertain significance.

NM_000070.3(CAPN3):c.2331C>G (p.Ile777Met)

Gene: CAPN3 (calpain 3; plus strand). Cytogenetic location: 15q15.1.
Variant type: single nucleotide variant.
Coding change: c.2331C>G on transcript NM_000070.3 (MANE Select); coding-DNA position 2331, C replaced by G.
Protein change: p.Ile777Met; replaces isoleucine 777 with methionine.
Molecular consequence: missense variant.
Genome position (GRCh38, 1-based): chr15:42,410,951, C>G. VCF-style: chr15-42410951-C-G. GRCh37 (hg19) VCF-style: chr15-42703149-C-G.
Other names: c.2313C>G, p.Ile771Met (NM_024344.2); c.2055C>G, p.Ile685Met (NM_173087.2); c.795C>G, p.Ile265Met (NM_173088.2); c.336C>G, p.Ile112Met (NM_173089.2, NM_173090.2); short protein forms I112M, I265M, I685M, I771M, I777M.
Identifiers: ClinVar variation 3896534 (VCV003896534.2).